The following is an entry in ClinVar:

ClinVar aggregate classification (germline): Pathogenic (1 of 4 stars; one submission).

Allele frequency attached by ClinVar (database versions not stated): TOPMed below 0.00001; gnomAD 0.00001.
gnomAD v4.1: 2 of 1,550,302 alleles (0.00013%); highest among the groups gnomAD compares: African/African-American, 0.0027%; no homozygotes.

Submission:

Labcorp Genetics (formerly Invitae), Labcorp
Classification: Pathogenic. Last evaluated: 2022-10-10. Review status: criteria provided, single submitter. Criteria: Invitae Variant Classification Sherloc (09022015). Collection method: clinical testing. Allele origin: germline.
Comment: For these reasons, this variant has been classified as Pathogenic. ClinVar contains an entry for this variant (Variation ID: 846138). This variant has not been reported in the literature in individuals affected with PDZD7-related conditions. This variant is not present in population databases (gnomAD no frequency). This sequence change creates a premature translational stop signal (p.Gln566*) in the PDZD7 gene. It is expected to result in an absent or disrupted protein product. Loss-of-function variants in PDZD7 are known to be pathogenic (PMID: 20440071).

Literature cited by the submitters: PubMed 20440071.

NM_001195263.2(PDZD7):c.1696C>T (p.Gln566Ter)

Gene: PDZD7 (PDZ domain containing 7; minus strand). Cytogenetic location: 10q24.31.
Variant type: single nucleotide variant.
Coding change: c.1696C>T on transcript NM_001195263.2 (MANE Select); coding-DNA position 1696, C replaced by T.
Protein change: p.Gln566Ter; replaces glutamine 566 with a stop codon.
Molecular consequence: nonsense.
Genome position (GRCh38, 1-based): chr10:101,015,689, G>A on the plus strand (C>T on the coding strand, the complement: PDZD7 is on the minus strand). VCF-style: chr10-101015689-G-A. GRCh37 (hg19) VCF-style: chr10-102775446-G-A.
Other names: short protein forms Q566*.
Identifiers: ClinVar variation 846138 (VCV000846138.7), dbSNP rs1321213780, ClinGen allele CA378226886.